The following is an entry in ClinVar:

ClinVar aggregate classification (germline): Uncertain significance (1 of 4 stars; one submission).

Conditions:
Cardiovascular phenotype. Identifiers: MedGen CN230736.

gnomAD v4.1: 1 of 1,455,036 alleles (0.000069%); highest among the groups gnomAD compares: South Asian, 0.0014%; no homozygotes.

Submission:

Ambry Genetics
Classification: Uncertain significance for Cardiovascular phenotype. Last evaluated: 2023-11-17. Review status: criteria provided, single submitter. Criteria: Ambry Variant Classification Scheme 2023. Collection method: clinical testing. Allele origin: germline.
Comment: The p.S71C variant (also known as c.212C>G), located in coding exon 1 of the GATA4 gene, results from a C to G substitution at nucleotide position 212. The serine at codon 71 is replaced by cysteine, an amino acid with dissimilar properties. This amino acid position is conserved. In addition, the in silico prediction for this alteration is inconclusive. Since supporting evidence is limited at this time, the clinical significance of this alteration remains unclear.

NM_001308093.3(GATA4):c.212C>G (p.Ser71Cys)

Gene: GATA4 (GATA binding protein 4). Cytogenetic location: 8p23.1.
Variant type: single nucleotide variant.
Coding change: c.212C>G on transcript NM_001308093.3 (MANE Select); coding-DNA position 212, C replaced by G.
Protein change: p.Ser71Cys; replaces serine 71 with cysteine.
Molecular consequence: missense variant. On other transcripts: intron variant (3).
Genome position (GRCh38, 1-based): chr8:11,708,524, C>G. VCF-style: chr8-11708524-C-G. GRCh37 (hg19) VCF-style: chr8-11566033-C-G.
Other names: c.212C>G, p.Ser71Cys (NM_002052.5); c.-6+7746C>G (NM_001308094.2); c.-3+510C>G (NM_001374274.1); c.-3+4220C>G (NM_001374273.1); short protein forms S71C.
Identifiers: ClinVar variation 3221987 (VCV003221987.1), dbSNP rs2486779742, ClinGen allele CA370309163.